The following is an entry in ClinVar:

NM_013275.6(ANKRD11):c.1304C>T (p.Pro435Leu)

Gene: ANKRD11 (ankyrin repeat domain 11; minus strand). Cytogenetic location: 16q24.3.
Variant type: single nucleotide variant.
Coding change: c.1304C>T on transcript NM_013275.6 (MANE Select); coding-DNA position 1304, C replaced by T.
Protein change: p.Pro435Leu; replaces proline 435 with leucine.
Molecular consequence: missense variant.
Genome position (GRCh38, 1-based): chr16:89,285,238, G>A on the plus strand (C>T on the coding strand, the complement: ANKRD11 is on the minus strand). VCF-style: chr16-89285238-G-A. GRCh37 (hg19) VCF-style: chr16-89351646-G-A.
Other names: c.1304C>T, p.Pro435Leu (NM_001256182.2, NM_001256183.2); short protein forms P435L.
Identifiers: ClinVar variation 5017113 (VCV005017113.1).

ClinVar aggregate classification (germline): Uncertain significance (1 of 4 stars; one submission).

gnomAD v4.1: 4 of 1,613,730 alleles (0.00025%); highest among the groups gnomAD compares: Non-Finnish European, 0.00034%; no homozygotes.

Submission:

GeneDx
Classification: Uncertain significance. Last evaluated: 2026-03-23. Review status: criteria provided, single submitter. Criteria: GeneDx Variant Classification Process June 2021. Collection method: clinical testing. Allele origin: germline.
Comment: Not observed at significant frequency in large population cohorts (gnomAD); In silico analysis supports that this missense variant has a deleterious effect on protein structure/function; Has not been previously published as pathogenic or benign to our knowledge